The following is an entry in ClinVar:

ClinVar aggregate classification (germline): Uncertain significance (1 of 4 stars; one submission).

Conditions:
Generalized epilepsy with febrile seizures plus, type 7 (GEFSP7). Also called: GEFS+, TYPE 7. Identifiers: Orphanet 36387, MedGen C2751778, MONDO:0013470, OMIM 613863.
Neuropathy, hereditary sensory and autonomic, type 2A (HSAN2A). Also called: ACROOSTEOLYSIS, GIACCAI TYPE; ACROOSTEOLYSIS, NEUROGENIC; HSAN IIA; WNK1-Related HSAN2 (HSAN2A); MORVAN DISEASE; NEUROPATHY, CONGENITAL SENSORY. Identifiers: Orphanet 970, MedGen C2752089, MONDO:0024309, OMIM 201300.

Allele frequency attached by ClinVar (database versions not stated): gnomAD exomes below 0.00001; TOPMed below 0.00001.
gnomAD v4.1: 2 of 1,613,574 alleles (0.00012%); highest among the groups gnomAD compares: Admixed American, 0.0033%; no homozygotes.

Submission:

Labcorp Genetics (formerly Invitae), Labcorp
Classification: Uncertain significance for Neuropathy, hereditary sensory and autonomic, type 2A; Generalized epilepsy with febrile seizures plus, type 7. Last evaluated: 2025-04-18. Review status: criteria provided, single submitter. Criteria: Invitae Variant Classification Sherloc (09022015). Collection method: clinical testing. Allele origin: germline.
Comment: This sequence change replaces serine, which is neutral and polar, with arginine, which is basic and polar, at codon 1054 of the SCN9A protein (p.Ser1054Arg). This variant is present in population databases (no rsID available, gnomAD 0.003%). This variant has not been reported in the literature in individuals affected with SCN9A-related conditions. ClinVar contains an entry for this variant (Variation ID: 2923349). Invitae Evidence Modeling of protein sequence and biophysical properties (such as structural, functional, and spatial information, amino acid conservation, physicochemical variation, residue mobility, and thermodynamic stability) indicates that this missense variant is not expected to disrupt SCN9A protein function with a negative predictive value of 95%. In summary, the available evidence is currently insufficient to determine the role of this variant in disease. Therefore, it has been classified as a Variant of Uncertain Significance.

NM_001365536.1(SCN9A):c.3193A>C (p.Ser1065Arg)

Genes: SCN9A (sodium voltage-gated channel alpha subunit 9; minus strand), SCN1A-AS1 (SCN1A and SCN9A antisense RNA 1; plus strand). Cytogenetic location: 2q24.3.
Variant type: single nucleotide variant.
Coding change: c.3193A>C on transcript NM_001365536.1 (MANE Select); coding-DNA position 3193, A replaced by C.
Protein change: p.Ser1065Arg; replaces serine 1065 with arginine.
Molecular consequence: missense variant.
Genome position (GRCh38, 1-based): chr2:166,272,557, T>G on the plus strand (A>C on the coding strand, the complement: SCN9A is on the minus strand). VCF-style: chr2-166272557-T-G. GRCh37 (hg19) VCF-style: chr2-167129067-T-G.
Other names: c.3160A>C, p.Ser1054Arg (NM_002977.4); short protein forms S1054R, S1065R.
Identifiers: ClinVar variation 2923349 (VCV002923349.3), dbSNP rs1336200934, ClinGen allele CA349073268.